The following is an entry in ClinVar:

NM_014363.6(SACS):c.9731T>A (p.Leu3244His)

Gene: SACS (sacsin molecular chaperone; minus strand). Cytogenetic location: 13q12.12.
Variant type: single nucleotide variant.
Coding change: c.9731T>A on transcript NM_014363.6 (MANE Select); coding-DNA position 9731, T replaced by A.
Protein change: p.Leu3244His; replaces leucine 3244 with histidine.
Molecular consequence: missense variant.
Genome position (GRCh38, 1-based): chr13:23,334,145, A>T on the plus strand (T>A on the coding strand, the complement: SACS is on the minus strand). VCF-style: chr13-23334145-A-T. GRCh37 (hg19) VCF-style: chr13-23908284-A-T.
Other names: c.9290T>A, p.Leu3097His (NM_001278055.2); c.9731T>A (NM_014363.4); short protein forms L3244H, L3097H.
Identifiers: ClinVar variation 284017 (VCV000284017.7), dbSNP rs886042769, ClinGen allele CA10604661.

ClinVar aggregate classification (germline): Uncertain significance. Review status: criteria provided, multiple submitters, no conflicts (2 of 4 stars). 3 submissions from 3 submitters: Uncertain significance (3). Last evaluated 2024-07-17.

Conditions:
Spastic paraplegia. Identifiers: MedGen C0037772, HP:0001258.
Inborn genetic diseases. Identifiers: MedGen C0950123, MeSH D030342.

Allele frequency attached by ClinVar (database versions not stated): gnomAD exomes 0.00001; TOPMed 0.00002; gnomAD 0.00001.
gnomAD v4.1: 7 of 1,613,802 alleles (0.00043%); highest among the groups gnomAD compares: Admixed American, 0.012%; no homozygotes.

Submissions (3):

Ambry Genetics
Classification: Uncertain significance for Inborn genetic diseases. Last evaluated: 2024-07-17. Review status: criteria provided, single submitter. Criteria: Ambry Variant Classification Scheme 2023. Collection method: clinical testing. Allele origin: germline.

Labcorp Genetics (formerly Invitae), Labcorp
Classification: Uncertain significance for Spastic paraplegia. Last evaluated: 2022-03-04. Review status: criteria provided, single submitter. Criteria: Invitae Variant Classification Sherloc (09022015). Collection method: clinical testing. Allele origin: germline.
Comment: This sequence change replaces leucine, which is neutral and non-polar, with histidine, which is basic and polar, at codon 3244 of the SACS protein (p.Leu3244His). This variant is not present in population databases (gnomAD no frequency). This variant has not been reported in the literature in individuals affected with SACS-related conditions. ClinVar contains an entry for this variant (Variation ID: 284017). Algorithms developed to predict the effect of missense changes on protein structure and function are either unavailable or do not agree on the potential impact of this missense change (SIFT: "Deleterious"; PolyPhen-2: "Probably Damaging"; Align-GVGD: "Class C0"). In summary, the available evidence is currently insufficient to determine the role of this variant in disease. Therefore, it has been classified as a Variant of Uncertain Significance.

Eurofins Ntd Llc (ga)
Classification: Uncertain significance. Last evaluated: 2015-10-21. Review status: criteria provided, single submitter. Criteria: EGL Classification Definitions 2015. Collection method: clinical testing. Allele origin: germline. Observed: 1 variant allele, 1 heterozygote.